The following is an entry in ClinVar:

NM_000890.5(KCNJ5):c.830C>T (p.Ser277Phe)

Gene: KCNJ5 (potassium inwardly rectifying channel subfamily J member 5; plus strand). Cytogenetic location: 11q24.3.
Variant type: single nucleotide variant.
Coding change: c.830C>T on transcript NM_000890.5 (MANE Select); coding-DNA position 830, C replaced by T.
Protein change: p.Ser277Phe; replaces serine 277 with phenylalanine.
Molecular consequence: missense variant.
Genome position (GRCh38, 1-based): chr11:128,912,103, C>T. VCF-style: chr11-128912103-C-T. GRCh37 (hg19) VCF-style: chr11-128781998-C-T.
Other names: c.830C>T, p.Ser277Phe (NM_001354169.2); short protein forms S277F.
Identifiers: ClinVar variation 2742752 (VCV002742752.3), dbSNP rs2497725190, ClinGen allele CA383250614.

ClinVar aggregate classification (germline): Uncertain significance (1 of 4 stars; one submission).

Conditions:
Long QT syndrome (LQTS). Identifiers: MedGen C0023976, MeSH D008133, MONDO:0002442. Disease mechanism: loss of function. Inheritance: Various modes of inheritance.

Submission:

Labcorp Genetics (formerly Invitae), Labcorp
Classification: Uncertain significance for Long QT syndrome. Last evaluated: 2023-09-30. Review status: criteria provided, single submitter. Criteria: Invitae Variant Classification Sherloc (09022015). Collection method: clinical testing. Allele origin: germline.
Comment: In summary, the available evidence is currently insufficient to determine the role of this variant in disease. Therefore, it has been classified as a Variant of Uncertain Significance. Advanced modeling of protein sequence and biophysical properties (such as structural, functional, and spatial information, amino acid conservation, physicochemical variation, residue mobility, and thermodynamic stability) performed at Invitae indicates that this missense variant is not expected to disrupt KCNJ5 protein function. This variant has not been reported in the literature in individuals affected with KCNJ5-related conditions. This variant is not present in population databases (gnomAD no frequency). This sequence change replaces serine, which is neutral and polar, with phenylalanine, which is neutral and non-polar, at codon 277 of the KCNJ5 protein (p.Ser277Phe).